The following is an entry in ClinVar:

ClinVar aggregate classification (germline): Benign/Likely benign. Review status: criteria provided, multiple submitters, no conflicts (2 of 4 stars). 7 submissions from 7 submitters: Benign (1); Likely benign (4). 2 of the submissions do not count toward it. Last evaluated 2026-09-01.

Conditions:
AP1S3-related disorder. Also called: AP1S3-related condition.
Psoriasis 15, pustular, susceptibility to (PSORS15). Identifiers: Orphanet 247353, MedGen C4015235, MONDO:0014494, OMIM 616106.

Allele frequency attached by ClinVar (database versions not stated): 1000 Genomes Project 30x 0.00234; 1000 Genomes Project 0.00240; TOPMed 0.00690; gnomAD 0.00725 and 0.00726; gnomAD exomes 0.00760 and 0.00987; ExAC 0.00798; ESP Exome Variant Server 0.00859.
gnomAD v4.1: 15,510 of 1,614,002 alleles (0.96%); highest among the groups gnomAD compares: Non-Finnish European, 1.1%; 112 homozygotes.

Submissions (7):

CeGaT Center for Human Genetics Tuebingen
Classification: Likely benign. Last evaluated: 2026-09-01. Review status: criteria provided, single submitter. Criteria: CeGaT Center For Human Genetics Tuebingen Variant Classification Criteria Version 2. Collection method: clinical testing. Allele origin: germline. Affected: yes. Observed: 18 variant alleles.
Comment: AP1S3: BS2

Center for Genomic Medicine, Rigshospitalet, Copenhagen University Hospital
Classification: Benign. Last evaluated: 2025-03-04. Review status: criteria provided, single submitter. Criteria: ACMG Guidelines, 2015. Collection method: clinical testing. Allele origin: germline.

Fulgent Genetics
Classification: Likely benign for Psoriasis 15, pustular, susceptibility to. Last evaluated: 2022-04-20. Review status: criteria provided, single submitter. Criteria: ACMG Guidelines, 2015. Collection method: clinical testing. Allele origin: unknown.

Laboratory for Molecular Medicine, Mass General Brigham Personalized Medicine
Classification: Likely benign. Last evaluated: 2016-03-28. Review status: criteria provided, single submitter. Criteria: LMM Criteria. Collection method: clinical testing. Allele origin: germline.
Comment: Variant identified in a genome or exome case(s) and assessed due to predicted null impact of the variant or pathogenic assertions in the literature or databases. Disclaimer: This variant has not undergone full assessment. The following are preliminary notes: MAF 1.2%. Limited evidence for gene-disease association.

Breakthrough Genomics
Classification: Likely benign. Review status: criteria provided, single submitter. Criteria: ACMG Guidelines, 2015. Collection method: not provided. Allele origin: germline. Inheritance: Autosomal dominant inheritance. Affected: yes.

PreventionGenetics, part of Exact Sciences
Classification: Likely benign for AP1S3-related condition. Last evaluated: 2020-11-02. Review status: no assertion criteria provided. Collection method: clinical testing. Allele origin: germline. Not counted in ClinVar's aggregate classification.
Comment: This variant is classified as likely benign based on ACMG/AMP sequence variant interpretation guidelines (Richards et al. 2015 PMID: 25741868, with internal and published modifications).

OMIM
Classification: risk factor for PSORIASIS 15, PUSTULAR, SUSCEPTIBILITY TO. Last evaluated: 2014-05-01. Review status: no assertion criteria provided. Collection method: literature only. Allele origin: germline. Not counted in ClinVar's aggregate classification.

Literature cited by the submitters: PubMed 24791904 (cited by OMIM); PubMed 28887889 (cited by OMIM).

NM_001039569.2(AP1S3):c.97C>T (p.Arg33Trp)

Gene: AP1S3 (adaptor related protein complex 1 subunit sigma 3; minus strand). Cytogenetic location: 2q36.1.
Variant type: single nucleotide variant.
Coding change: c.97C>T on transcript NM_001039569.2 (MANE Select); coding-DNA position 97, C replaced by T.
Protein change: p.Arg33Trp; replaces arginine 33 with tryptophan.
Molecular consequence: missense variant. On other transcripts: non-coding transcript variant (2).
Genome position (GRCh38, 1-based): chr2:223,777,776, G>A on the plus strand (C>T on the coding strand, the complement: AP1S3 is on the minus strand). VCF-style: chr2-223777776-G-A. GRCh37 (hg19) VCF-style: chr2-224642493-G-A.
Other names: short protein forms R33W.
Identifiers: ClinVar variation 160375 (VCV000160375.39), dbSNP rs138292988, ClinGen allele CA173988.